The following is an entry in ClinVar:

ClinVar aggregate classification (germline): Likely benign (1 of 4 stars; one submission).

Conditions:
EP300-related disorder. Also called: EP300-related condition; EP300-related disorders.

gnomAD v4.1: 4 of 1,611,916 alleles (0.00025%); highest among the groups gnomAD compares: South Asian, 0.0033%; no homozygotes.

Submission:

PreventionGenetics, part of Exact Sciences
Classification: Likely benign for EP300-related condition. Last evaluated: 2026-03-09. Review status: criteria provided, single submitter. Criteria: ACMG Guidelines, 2015. Collection method: clinical testing. Allele origin: germline.
Comment: This variant is classified as likely benign based on ACMG/AMP sequence variant interpretation guidelines (Richards et al. 2015 PMID: 25741868, with internal and published modifications).

NM_001429.4(EP300):c.1623-4G>C

Gene: EP300 (EP300 lysine acetyltransferase; plus strand). Cytogenetic location: 22q13.2.
Variant type: single nucleotide variant.
Coding change: c.1623-4G>C on transcript NM_001429.4 (MANE Select); 4 bases into the intron before coding-DNA position 1623, G replaced by C.
Molecular consequence: intron variant.
Genome position (GRCh38, 1-based): chr22:41,137,649, G>C. VCF-style: chr22-41137649-G-C. GRCh37 (hg19) VCF-style: chr22-41533653-G-C.
Other names: c.1623-4G>C (NM_001362843.2).
Identifiers: ClinVar variation 4996608 (VCV004996608.1).
Genomic context (GRCh38, chr22:41,137,649, plus strand): 5'-TGAATTAAATGAGGTCTTCTCCTACCTTTCTTCACTAAAACTATTTGGTGACCCCTTTTT[G>C]AAGCCCAATGATGAGTGAAAATGCCAGTGTGCCCTCCCTGGGTCCTATGCCAACAGCAGC-3'